The following is an entry in ClinVar:

ClinVar aggregate classification (germline): Likely benign. Review status: criteria provided, single submitter (1 of 4 stars). 2 submissions from 2 submitters: Likely benign (1). 1 of the submissions does not count toward it. Last evaluated 2025-06-01.

Conditions:
PIK3R5-related disorder. Also called: PIK3R5-related condition.

Allele frequency attached by ClinVar (database versions not stated): ExAC 0.00004; ESP Exome Variant Server 0.00008.
gnomAD v4.1: 67 of 1,613,798 alleles (0.0042%); highest among the groups gnomAD compares: Non-Finnish European, 0.0056%; no homozygotes.

Submissions (2):

CeGaT Center for Human Genetics Tuebingen
Classification: Likely benign. Last evaluated: 2025-06-01. Review status: criteria provided, single submitter. Criteria: CeGaT Center For Human Genetics Tuebingen Variant Classification Criteria Version 2. Collection method: clinical testing. Allele origin: germline. Affected: yes. Observed: 1 variant allele.
Comment: PIK3R5: BP4, BP7

PreventionGenetics, part of Exact Sciences
Classification: Likely benign for PIK3R5-related condition. Last evaluated: 2019-02-25. Review status: no assertion criteria provided. Collection method: clinical testing. Allele origin: germline. Not counted in ClinVar's aggregate classification.
Comment: This variant is classified as likely benign based on ACMG/AMP sequence variant interpretation guidelines (Richards et al. 2015 PMID: 25741868, with internal and published modifications).

NM_001142633.3(PIK3R5):c.780G>C (p.Val260=)

Gene: PIK3R5 (phosphoinositide-3-kinase regulatory subunit 5; minus strand). Cytogenetic location: 17p13.1.
Variant type: single nucleotide variant.
Coding change: c.780G>C on transcript NM_001142633.3 (MANE Select); coding-DNA position 780, G replaced by C.
Protein change: p.Val260=; no amino-acid change (valine 260 retained).
Molecular consequence: synonymous variant. On other transcripts: 5 prime UTR variant (6), intron variant (2).
Genome position (GRCh38, 1-based): chr17:8,890,004, C>G on the plus strand (G>C on the coding strand, the complement: PIK3R5 is on the minus strand). VCF-style: chr17-8890004-C-G. GRCh37 (hg19) VCF-style: chr17-8793321-C-G.
Other names: c.-441G>C (NM_001251851.2); c.-379G>C (NM_001251852.2, NM_001251855.2, NM_001388397.1 and 2 more transcripts); c.780G>C, p.Val260= (NM_001388396.1, NM_014308.4); c.-348+734G>C (NM_001388400.1, NM_001251853.2).
Identifiers: ClinVar variation 3046620 (VCV003046620.12), dbSNP rs376161216, ClinGen allele CA8380704.